The following is an entry in ClinVar:

ClinVar aggregate classification (germline): Uncertain significance (1 of 4 stars; one submission).

Conditions:
Cardiovascular phenotype. Identifiers: MedGen CN230736.
Hereditary cancer-predisposing syndrome. Also called: Neoplastic Syndromes, Hereditary; Tumor predisposition; Hereditary Cancer Syndrome; Hereditary neoplastic syndrome. Identifiers: Orphanet 140162, MedGen C0027672, MeSH D009386, MONDO:0015356.

gnomAD v4.1: 1 of 1,613,468 alleles (0.000062%); highest among the groups gnomAD compares: Non-Finnish European, 0.000085%; no homozygotes.

Submission:

Ambry Genetics
Classification: Uncertain significance for Cardiovascular phenotype; Hereditary cancer-predisposing syndrome. Last evaluated: 2026-05-27. Review status: criteria provided, single submitter. Criteria: Ambry Variant Classification Scheme 2023. Collection method: clinical testing. Allele origin: germline.
Comment: The p.P516H variant (also known as c.1547C>A), located in coding exon 14 of the NF1 gene, results from a C to A substitution at nucleotide position 1547. The proline at codon 516 is replaced by histidine, an amino acid with similar properties. This amino acid position is conserved. In addition, this alteration is predicted to be tolerated by in silico analysis. Based on the available evidence, the clinical significance of this variant remains unclear.

NM_001042492.3(NF1):c.1547C>A (p.Pro516His)

Gene: NF1 (neurofibromin 1; plus strand). Cytogenetic location: 17q11.2.
Variant type: single nucleotide variant.
Coding change: c.1547C>A on transcript NM_001042492.3 (MANE Select); coding-DNA position 1547, C replaced by A.
Protein change: p.Pro516His; replaces proline 516 with histidine.
Molecular consequence: missense variant.
Genome position (GRCh38, 1-based): chr17:31,219,024, C>A. VCF-style: chr17-31219024-C-A. GRCh37 (hg19) VCF-style: chr17-29546042-C-A.
Other names: c.1547C>A, p.Pro516His (NM_000267.4, NM_001128147.3); short protein forms P516H.
Identifiers: ClinVar variation 4615745 (VCV004615745.2).